The following is an entry in ClinVar:

NM_001365480.1(CCDC88A):c.1221A>C (p.Glu407Asp)

Gene: CCDC88A (coiled-coil and HOOK domain protein 88A; minus strand). Cytogenetic location: 2p16.1.
Variant type: single nucleotide variant.
Coding change: c.1221A>C on transcript NM_001365480.1 (MANE Select); coding-DNA position 1221, A replaced by C.
Protein change: p.Glu407Asp; replaces glutamic acid 407 with aspartic acid.
Molecular consequence: missense variant.
Genome position (GRCh38, 1-based): chr2:55,343,760, T>G on the plus strand (A>C on the coding strand, the complement: CCDC88A is on the minus strand). VCF-style: chr2-55343760-T-G. GRCh37 (hg19) VCF-style: chr2-55570896-T-G.
Other names: c.1221A>C, p.Glu407Asp (NM_001135597.2, NM_001254943.2, NM_018084.5); short protein forms E407D.
Identifiers: ClinVar variation 2131229 (VCV002131229.4), dbSNP rs2544869227, ClinGen allele CA346905787.
Genomic context (GRCh38, chr2:55,343,760, plus strand): 5'-TAATGATTCATCCATACTTTGTTTCTGTGCCATTTCCAAAGTCATATTTTCTTCCATTAA[T>G]TCTTCAATCTTTTTTCTATCCATATCTCGTTCCTTTTTTATTGGCAAGGATTAGGGAGAG-3'
Protein context (NP_001352409.1, residues 397-417): ERDMDRKKIE[Glu407Asp]LMEENMTLEM

ClinVar aggregate classification (germline): Uncertain significance (1 of 4 stars; one submission).

Submission:

Labcorp Genetics (formerly Invitae), Labcorp
Classification: Uncertain significance. Last evaluated: 2022-08-31. Review status: criteria provided, single submitter. Criteria: Invitae Variant Classification Sherloc (09022015). Collection method: clinical testing. Allele origin: germline.
Comment: This sequence change replaces glutamic acid, which is acidic and polar, with aspartic acid, which is acidic and polar, at codon 407 of the CCDC88A protein (p.Glu407Asp). In summary, the available evidence is currently insufficient to determine the role of this variant in disease. Therefore, it has been classified as a Variant of Uncertain Significance. Algorithms developed to predict the effect of missense changes on protein structure and function are either unavailable or do not agree on the potential impact of this missense change (SIFT: "Tolerated"; PolyPhen-2: "Probably Damaging"; Align-GVGD: "Class C0"). This variant has not been reported in the literature in individuals affected with CCDC88A-related conditions. This variant is not present in population databases (gnomAD no frequency).